The following is an entry in ClinVar:

NM_000487.6(ARSA):c.442G>A (p.Gly148Ser)

Gene: ARSA (arylsulfatase A; minus strand). Cytogenetic location: 22q13.33.
Variant type: single nucleotide variant.
Coding change: c.442G>A on transcript NM_000487.6 (MANE Select); coding-DNA position 442, G replaced by A.
Protein change: p.Gly148Ser; replaces glycine 148 with serine.
Molecular consequence: missense variant.
Genome position (GRCh38, 1-based): chr22:50,627,189, C>T on the plus strand (G>A on the coding strand, the complement: ARSA is on the minus strand). VCF-style: chr22-50627189-C-T. GRCh37 (hg19) VCF-style: chr22-51065617-C-T.
Other names: c.442G>A, p.Gly148Ser (NM_001085425.3, NM_001085426.3, NM_001085427.3); c.184G>A, p.Gly62Ser (NM_001085428.3, NM_001362782.2); short protein forms G148S, G62S.
Identifiers: ClinVar variation 857311 (VCV000857311.9), dbSNP rs1188592346, ClinGen allele CA412180119.

ClinVar aggregate classification (germline): Pathogenic (1 of 4 stars; one submission).

Conditions:
Metachromatic leukodystrophy (MLD). Also called: METACHROMATIC LEUKOENCEPHALOPATHY; Cerebral sclerosis diffuse metachromatic form; Arylsulfatase A Deficiency; ARSA DEFICIENCY; CEREBROSIDE SULFATASE DEFICIENCY; SULFATIDE LIPIDOSIS. Identifiers: Orphanet 512, MedGen C0023522, MONDO:0018868, OMIM 250100.

Allele frequency attached by ClinVar (database versions not stated): gnomAD 0.00001; TOPMed below 0.00001.

Submissions (2):

Labcorp Genetics (formerly Invitae), Labcorp
Classification: Pathogenic for Metachromatic leukodystrophy. Last evaluated: 2025-05-27. Review status: criteria provided, single submitter. Criteria: Invitae Variant Classification Sherloc (09022015). Collection method: clinical testing. Allele origin: germline.
Comment: This sequence change replaces glycine, which is neutral and non-polar, with serine, which is neutral and polar, at codon 148 of the ARSA protein (p.Gly148Ser). This variant is not present in population databases (gnomAD no frequency). This missense change has been observed in individual(s) with ARSA-related conditions and/or metachromatic leukodystrophy (PMID: 37381728; internal data). In at least one individual the data is consistent with being in trans (on the opposite chromosome) from a pathogenic variant. ClinVar contains an entry for this variant (Variation ID: 857311). Invitae Evidence Modeling of protein sequence and biophysical properties (such as structural, functional, and spatial information, amino acid conservation, physicochemical variation, residue mobility, and thermodynamic stability) indicates that this missense variant is expected to disrupt ARSA protein function with a positive predictive value of 95%. For these reasons, this variant has been classified as Pathogenic.

Gelb Laboratory, University of Washington
No classification provided (evidence only). Condition: Metachromatic leukodystrophy. Review status: no classification provided. Collection method: in vitro. Allele origin: not applicable. Functional consequence: loss of function. Not counted in ClinVar's aggregate classification.

Literature cited by the submitters: PubMed 37381728 (cited by Labcorp Genetics (formerly Invitae), Labcorp).